The following is an entry in ClinVar:

ClinVar aggregate classification (germline): Conflicting classifications of pathogenicity. Review status: criteria provided, conflicting classifications (1 of 4 stars). 2 submissions from 2 submitters: Likely pathogenic (1); Uncertain significance (1). Last evaluated 2025-04-02.

Conditions:
Renal carnitine transport defect (CDSP). Also called: Systemic primary carnitine deficiency; Carnitine transporter deficiency; Systemic primary carnitine deficiency disease; CARNITINE DEFICIENCY, SYSTEMIC, DUE TO DEFECT IN RENAL REABSORPTION OF CARNITINE; Primary carnitine deficiency; CARNITINE TRANSPORTER, PLASMA-MEMBRANE, DEFICIENCY OF. Identifiers: Orphanet 158, MedGen C0342788, MONDO:0008919, OMIM 212140.

gnomAD v4.1: 1 of 1,614,014 alleles (0.000062%); highest among the groups gnomAD compares: Non-Finnish European, 0.000085%; no homozygotes.

Submissions (2):

Women's Health and Genetics/Laboratory Corporation of America, LabCorp
Classification: Uncertain significance. Last evaluated: 2025-04-02. Review status: criteria provided, single submitter. Criteria: LabCorp Variant Classification Summary - May 2015. Collection method: clinical testing. Allele origin: germline.
Comment: Variant summary: SLC22A5 c.839C>A (p.Ser280Tyr) results in a non-conservative amino acid change in the encoded protein sequence. Five of five in-silico tools predict a damaging effect of the variant on protein function. The variant was absent in 251484 control chromosomes (gnomAD). The available data on variant occurrences in the general population are insufficient to allow any conclusion about variant significance. To our knowledge, no occurrence of c.839C>A in individuals affected with Systemic Primary Carnitine Deficiency and no experimental evidence demonstrating its impact on protein function have been reported. ClinVar contains an entry for this variant (Variation ID: 1067671). Based on the evidence outlined above, the variant was classified as uncertain significance.

Labcorp Genetics (formerly Invitae), Labcorp
Classification: Likely pathogenic for Renal carnitine transport defect. Last evaluated: 2020-07-20. Review status: criteria provided, single submitter. Criteria: Invitae Variant Classification Sherloc (09022015). Collection method: clinical testing. Allele origin: germline.
Comment: This variant disrupts the p.Ser280 amino acid residue in SLC22A5. Other variant(s) that disrupt this residue have been determined to be pathogenic (PMID: 28841266). This suggests that this residue is clinically significant, and that variants that disrupt this residue are likely to be disease-causing. This sequence change replaces serine with tyrosine at codon 280 of the SLC22A5 protein (p.Ser280Tyr). The serine residue is highly conserved and there is a large physicochemical difference between serine and tyrosine. This variant is not present in population databases (ExAC no frequency). This variant has not been reported in the literature in individuals with SLC22A5-related conditions. Advanced modeling of protein sequence and biophysical properties (such as structural, functional, and spatial information, amino acid conservation, physicochemical variation, residue mobility, and thermodynamic stability) performed at Invitae indicates that this missense variant is expected to disrupt SLC22A5 protein function. In summary, the currently available evidence indicates that the variant is pathogenic, but additional data are needed to prove that conclusively. Therefore, this variant has been classified as Likely Pathogenic.

Literature cited by the submitters: PubMed 28841266 (cited by Labcorp Genetics (formerly Invitae), Labcorp).

NM_003060.4(SLC22A5):c.839C>A (p.Ser280Tyr)

Gene: SLC22A5 (solute carrier family 22 member 5; plus strand). Cytogenetic location: 5q31.1.
Variant type: single nucleotide variant.
Coding change: c.839C>A on transcript NM_003060.4 (MANE Select); coding-DNA position 839, C replaced by A.
Protein change: p.Ser280Tyr; replaces serine 280 with tyrosine.
Molecular consequence: missense variant.
Genome position (GRCh38, 1-based): chr5:132,387,039, C>A. VCF-style: chr5-132387039-C-A. GRCh37 (hg19) VCF-style: chr5-131722731-C-A.
Other names: c.911C>A, p.Ser304Tyr (NM_001308122.2); short protein forms S280Y, S304Y.
Identifiers: ClinVar variation 1067671 (VCV001067671.11), dbSNP rs386134208, ClinGen allele CA360805532.